The following is an entry in ClinVar:

NM_000432.4(MYL2):c.274+8C>T

Gene: MYL2 (myosin light chain 2; minus strand). Cytogenetic location: 12q24.11.
Variant type: single nucleotide variant.
Coding change: c.274+8C>T on transcript NM_000432.4 (MANE Select); 8 bases into the intron after coding-DNA position 274, C replaced by T.
Molecular consequence: intron variant.
Genome position (GRCh38, 1-based): chr12:110,914,178, G>A on the plus strand (C>T on the coding strand, the complement: MYL2 is on the minus strand). VCF-style: chr12-110914178-G-A. GRCh37 (hg19) VCF-style: chr12-111351982-G-A.
Identifiers: ClinVar variation 43463 (VCV000043463.21), dbSNP rs397516400, ClinGen allele CA010001.

ClinVar aggregate classification (germline): Likely benign. Review status: criteria provided, multiple submitters, no conflicts (2 of 4 stars). 5 submissions from 5 submitters: Likely benign (4). 1 of the submissions does not count toward it. Last evaluated 2025-12-28.

Conditions:
MYL2-related disorder. Also called: MYL2-related condition; MYL2-related disease; MYL2-related disorders.
Hypertrophic cardiomyopathy 10. Also called: CARDIOMYOPATHY, HYPERTROPHIC, MID-LEFT VENTRICULAR CHAMBER TYPE, 2; MYL2-Related Familial Hypertrophic Cardiomyopathy. Identifiers: MedGen C1834460, MONDO:0012112, OMIM 608758.

Allele frequency attached by ClinVar (database versions not stated): gnomAD exomes 0.00004 and 0.00007; ExAC 0.00009; gnomAD 0.00014; TOPMed 0.00016.
gnomAD v4.1: 81 of 1,587,374 alleles (0.0051%); highest among the groups gnomAD compares: African/African-American, 0.045%; no homozygotes.

Submissions (5):

Labcorp Genetics (formerly Invitae), Labcorp
Classification: Likely benign for Hypertrophic cardiomyopathy 10. Last evaluated: 2025-12-28. Review status: criteria provided, single submitter. Criteria: Invitae Variant Classification Sherloc (09022015). Collection method: clinical testing. Allele origin: germline.

Blueprint Genetics
Classification: Likely benign. Last evaluated: 2021-11-30. Review status: criteria provided, single submitter. Criteria: ACMG Guidelines, 2015. Collection method: clinical testing. Allele origin: germline.

GeneDx
Classification: Likely benign. Last evaluated: 2018-01-29. Review status: criteria provided, single submitter. Criteria: GeneDx Variant Classification (06012015). Collection method: clinical testing. Allele origin: germline. Affected: yes.
Comment: This variant is considered likely benign or benign based on one or more of the following criteria: it is a conservative change, it occurs at a poorly conserved position in the protein, it is predicted to be benign by multiple in silico algorithms, and/or has population frequency not consistent with disease.

Laboratory for Molecular Medicine, Mass General Brigham Personalized Medicine
Classification: Likely benign. Last evaluated: 2012-01-06. Review status: criteria provided, single submitter. Criteria: LMM Criteria. Collection method: clinical testing. Allele origin: germline. Observed: 2 variant alleles.
Comment: 274+8C>T in intron 4 of MYL2: This variant is not expected to have clinical sign ificance because it is not located within the splice consensus sequence. 274+8C >T in intron 4 of MYL2 (allele frequency = n/a)

PreventionGenetics, part of Exact Sciences
Classification: Likely benign for MYL2-related condition. Last evaluated: 2023-02-21. Review status: no assertion criteria provided. Collection method: clinical testing. Allele origin: germline. Not counted in ClinVar's aggregate classification.
Comment: This variant is classified as likely benign based on ACMG/AMP sequence variant interpretation guidelines (Richards et al. 2015 PMID: 25741868, with internal and published modifications).